The following is an entry in ClinVar:

ClinVar aggregate classification (germline): Uncertain significance. Review status: criteria provided, multiple submitters, no conflicts (2 of 4 stars). 2 submissions from 2 submitters: Uncertain significance (2). Last evaluated 2025-05-16.

Conditions:
Inborn genetic diseases. Identifiers: MedGen C0950123, MeSH D030342.
Dyskeratosis congenita, autosomal dominant 6 (DKCA6). Identifiers: Orphanet 3322, MedGen C4225284, MONDO:0014690, OMIM 616553.

Allele frequency attached by ClinVar (database versions not stated): TOPMed below 0.00001; gnomAD 0.00001; gnomAD exomes below 0.00001.
gnomAD v4.1: 2 of 1,613,620 alleles (0.00012%); highest among the groups gnomAD compares: East Asian, 0.0022%; no homozygotes.

Submissions (2):

Labcorp Genetics (formerly Invitae), Labcorp
Classification: Uncertain significance for Dyskeratosis congenita, autosomal dominant 6. Last evaluated: 2025-05-16. Review status: criteria provided, single submitter. Criteria: Invitae Variant Classification Sherloc (09022015). Collection method: clinical testing. Allele origin: germline.
Comment: This sequence change replaces proline, which is neutral and non-polar, with leucine, which is neutral and non-polar, at codon 368 of the ACD protein (p.Pro368Leu). This variant is not present in population databases (gnomAD no frequency). This variant has not been reported in the literature in individuals affected with ACD-related conditions. ClinVar contains an entry for this variant (Variation ID: 1793031). Invitae Evidence Modeling of protein sequence and biophysical properties (such as structural, functional, and spatial information, amino acid conservation, physicochemical variation, residue mobility, and thermodynamic stability) indicates that this missense variant is not expected to disrupt ACD protein function with a negative predictive value of 80%. In summary, the available evidence is currently insufficient to determine the role of this variant in disease. Therefore, it has been classified as a Variant of Uncertain Significance.

Ambry Genetics
Classification: Uncertain significance for Inborn genetic diseases. Last evaluated: 2023-12-29. Review status: criteria provided, single submitter. Criteria: Ambry Variant Classification Scheme 2023. Collection method: clinical testing. Allele origin: germline.
Comment: The p.P368L variant (also known as c.1103C>T), located in coding exon 10 of the ACD gene, results from a C to T substitution at nucleotide position 1103. The proline at codon 368 is replaced by leucine, an amino acid with similar properties. This amino acid position is conserved. In addition, this alteration is predicted to be tolerated by in silico analysis. Since supporting evidence is limited at this time, the clinical significance of this alteration remains unclear.

NM_001082486.2(ACD):c.845C>T (p.Pro282Leu)

Gene: ACD (ACD shelterin complex subunit and telomerase recruitment factor; minus strand). Cytogenetic location: 16q22.1.
Variant type: single nucleotide variant.
Coding change: c.845C>T on transcript NM_001082486.2 (MANE Select); coding-DNA position 845, C replaced by T.
Protein change: p.Pro282Leu; replaces proline 282 with leucine.
Molecular consequence: missense variant.
Genome position (GRCh38, 1-based): chr16:67,658,347, G>A on the plus strand (C>T on the coding strand, the complement: ACD is on the minus strand). VCF-style: chr16-67658347-G-A. GRCh37 (hg19) VCF-style: chr16-67692250-G-A.
Other names: c.758C>T, p.Pro253Leu (NM_001410884.1); c.836C>T, p.Pro279Leu (NM_022914.3); short protein forms P279L, P282L, P253L.
Identifiers: ClinVar variation 1793031 (VCV001793031.3), dbSNP rs1313740709, ClinGen allele CA396353016.
Genomic context (GRCh38, chr16:67,658,347, plus strand): 5'-AAGGACAGGGCAGGCAGAAGGCTGATGCTGGTACCACTTTCCTCGGATGACATGTGGCCG[G>A]GTAAGGCCGGGGTTCCTGAGGAGGAGGGGACTTATTGTAGGCACAGCCCTCTCCGCTCAG-3'
Protein context (NP_001075955.2, residues 272-292): SPSSSGTPAL[Pro282Leu]GHMSSEESGT